The following is an entry in ClinVar:

NM_004064.5(CDKN1B):c.99C>G (p.Phe33Leu)

Gene: CDKN1B (cyclin dependent kinase inhibitor 1B; plus strand). Cytogenetic location: 12p13.1.
Variant type: single nucleotide variant.
Coding change: c.99C>G on transcript NM_004064.5 (MANE Select); coding-DNA position 99, C replaced by G.
Protein change: p.Phe33Leu; replaces phenylalanine 33 with leucine.
Molecular consequence: missense variant.
Genome position (GRCh38, 1-based): chr12:12,717,938, C>G. VCF-style: chr12-12717938-C-G. GRCh37 (hg19) VCF-style: chr12-12870872-C-G.
Other names: short protein forms F33L.
Identifiers: ClinVar variation 941865 (VCV000941865.11), dbSNP rs201349921, ClinGen allele CA383968569.

ClinVar aggregate classification (germline): Uncertain significance. Review status: criteria provided, multiple submitters, no conflicts (2 of 4 stars). 3 submissions from 3 submitters: Uncertain significance (3). Last evaluated 2025-08-11.

Conditions:
Hereditary cancer-predisposing syndrome. Also called: Tumor predisposition; Hereditary neoplastic syndrome; Neoplastic Syndromes, Hereditary; Hereditary Cancer Syndrome. Identifiers: Orphanet 140162, MedGen C0027672, MeSH D009386, MONDO:0015356.
Multiple endocrine neoplasia type 4. Also called: MULTIPLE ENDOCRINE NEOPLASIA, TYPE IV. Identifiers: Orphanet 276152, MedGen C1970712, MONDO:0012552, OMIM 610755.

Allele frequency attached by ClinVar (database versions not stated): TOPMed 0.00001.

Submissions (3):

Labcorp Genetics (formerly Invitae), Labcorp
Classification: Uncertain significance for Multiple endocrine neoplasia type 4. Last evaluated: 2025-08-11. Review status: criteria provided, single submitter. Criteria: Invitae Variant Classification Sherloc (09022015). Collection method: clinical testing. Allele origin: germline.
Comment: This sequence change replaces phenylalanine, which is neutral and non-polar, with leucine, which is neutral and non-polar, at codon 33 of the CDKN1B protein (p.Phe33Leu). This variant is not present in population databases (gnomAD no frequency). This variant has not been reported in the literature in individuals affected with CDKN1B-related conditions. ClinVar contains an entry for this variant (Variation ID: 941865). An algorithm developed to predict the effect of missense changes on protein structure and function (PolyPhen-2) suggests that this variant is likely to be disruptive. In summary, the available evidence is currently insufficient to determine the role of this variant in disease. Therefore, it has been classified as a Variant of Uncertain Significance.

Ambry Genetics
Classification: Uncertain significance for Hereditary cancer-predisposing syndrome. Last evaluated: 2024-02-24. Review status: criteria provided, single submitter. Criteria: Ambry Variant Classification Scheme 2023. Collection method: clinical testing. Allele origin: germline.
Comment: The p.F33L variant (also known as c.99C>G), located in coding exon 1 of the CDKN1B gene, results from a C to G substitution at nucleotide position 99. The phenylalanine at codon 33 is replaced by leucine, an amino acid with highly similar properties. This amino acid position is highly conserved in available vertebrate species. In addition, this alteration is predicted to be deleterious by in silico analysis. Since supporting evidence is limited at this time, the clinical significance of this alteration remains unclear.

Quest Diagnostics Nichols Institute San Juan Capistrano
Classification: Uncertain significance. Last evaluated: 2023-12-13. Review status: criteria provided, single submitter. Criteria: Quest Diagnostics criteria. Collection method: clinical testing. Allele origin: unknown.
Comment: The CDKN1B c.99C>G (p.Phe33Leu) variant has not been reported in individuals with CDKN1B-related conditions in the published literature. It also has not been reported in large, multi-ethnic general populations (Genome Aggregation Database). Analysis of this variant using bioinformatics tools for the prediction of the effect of amino acid changes on protein structure and function yielded conflicting predictions that this variant is benign or damaging. Based on the available information, we are unable to determine the clinical significance of this variant.